The following is an entry in ClinVar:

ClinVar aggregate classification (germline): Likely benign. Review status: criteria provided, multiple submitters, no conflicts (2 of 4 stars). 3 submissions from 3 submitters: Likely benign (2). 1 of the submissions does not count toward it. Last evaluated 2025-01-01.

Conditions:
NTRK2-related disorder. Also called: NTRK2-related condition.

Allele frequency attached by ClinVar (database versions not stated): gnomAD exomes below 0.00001; gnomAD 0.00001; TOPMed 0.00004.
gnomAD v4.1: 2 of 1,614,034 alleles (0.00012%); highest among the groups gnomAD compares: Admixed American, 0.0017%; no homozygotes.

Submissions (3):

CeGaT Center for Human Genetics Tuebingen
Classification: Likely benign. Last evaluated: 2025-01-01. Review status: criteria provided, single submitter. Criteria: CeGaT Center For Human Genetics Tuebingen Variant Classification Criteria Version 2. Collection method: clinical testing. Allele origin: germline. Affected: yes. Observed: 1 variant allele.
Comment: NTRK2: BP4, BP7

Labcorp Genetics (formerly Invitae), Labcorp
Classification: Likely benign. Last evaluated: 2024-09-21. Review status: criteria provided, single submitter. Criteria: Invitae Variant Classification Sherloc (09022015). Collection method: clinical testing. Allele origin: germline.

PreventionGenetics, part of Exact Sciences
Classification: Likely benign for NTRK2-related condition. Last evaluated: 2024-05-09. Review status: no assertion criteria provided. Collection method: clinical testing. Allele origin: germline. Not counted in ClinVar's aggregate classification.
Comment: This variant is classified as likely benign based on ACMG/AMP sequence variant interpretation guidelines (Richards et al. 2015 PMID: 25741868, with internal and published modifications).

NM_006180.6(NTRK2):c.2202C>T (p.Arg734=)

Gene: NTRK2 (neurotrophic receptor tyrosine kinase 2; plus strand). Cytogenetic location: 9q21.33.
Variant type: single nucleotide variant.
Coding change: c.2202C>T on transcript NM_006180.6 (MANE Select); coding-DNA position 2202, C replaced by T.
Protein change: p.Arg734=; no amino-acid change (arginine 734 retained).
Molecular consequence: synonymous variant.
Genome position (GRCh38, 1-based): chr9:85,020,235, C>T. VCF-style: chr9-85020235-C-T. GRCh37 (hg19) VCF-style: chr9-87635150-C-T.
Other names: c.2202C>T (NM_006180.4); c.2154C>T, p.Arg718= (NM_001018064.3, NM_001369532.1, NM_001369533.1); c.2118C>T, p.Arg706= (NM_001369534.1); c.1686C>T, p.Arg562= (NM_001369535.1); c.1734C>T, p.Arg578= (NM_001369536.1); c.2202C>T, p.Arg734= (NM_001381928.1).
Identifiers: ClinVar variation 1941850 (VCV001941850.19), dbSNP rs1054519207, ClinGen allele CA195830740.